The following is an entry in ClinVar:

NM_003079.5(SMARCE1):c.1145C>G (p.Thr382Ser)

Gene: SMARCE1 (SWI/SNF related BAF chromatin remodeling complex subunit E1; minus strand). Cytogenetic location: 17q21.2.
Variant type: single nucleotide variant.
Coding change: c.1145C>G on transcript NM_003079.5 (MANE Select); coding-DNA position 1145, C replaced by G.
Protein change: p.Thr382Ser; replaces threonine 382 with serine.
Molecular consequence: missense variant.
Genome position (GRCh38, 1-based): chr17:40,628,876, G>C on the plus strand (C>G on the coding strand, the complement: SMARCE1 is on the minus strand). VCF-style: chr17-40628876-G-C. GRCh37 (hg19) VCF-style: chr17-38785128-G-C.
Other names: short protein forms T382S.
Identifiers: ClinVar variation 2419858 (VCV002419858.6), dbSNP rs1314554797, ClinGen allele CA399361163.

ClinVar aggregate classification (germline): Uncertain significance (1 of 4 stars; one submission).

Conditions:
Familial meningioma. Also called: Meningioma, familial, susceptibility to. Identifiers: Orphanet 263662, MedGen C3551915, MONDO:0011789, OMIM 607174.

gnomAD v4.1: 3 of 1,613,798 alleles (0.00019%); highest among the groups gnomAD compares: East Asian, 0.0022%; no homozygotes.

Submission:

Labcorp Genetics (formerly Invitae), Labcorp
Classification: Uncertain significance for Familial meningioma. Last evaluated: 2025-06-25. Review status: criteria provided, single submitter. Criteria: Invitae Variant Classification Sherloc (09022015). Collection method: clinical testing. Allele origin: germline.
Comment: This sequence change replaces threonine, which is neutral and polar, with serine, which is neutral and polar, at codon 382 of the SMARCE1 protein (p.Thr382Ser). This variant is not present in population databases (gnomAD no frequency). This variant has not been reported in the literature in individuals affected with SMARCE1-related conditions. ClinVar contains an entry for this variant (Variation ID: 2419858). Invitae Evidence Modeling of protein sequence and biophysical properties (such as structural, functional, and spatial information, amino acid conservation, physicochemical variation, residue mobility, and thermodynamic stability) indicates that this missense variant is not expected to disrupt SMARCE1 protein function with a negative predictive value of 80%. In summary, the available evidence is currently insufficient to determine the role of this variant in disease. Therefore, it has been classified as a Variant of Uncertain Significance.